The following is an entry in ClinVar:

NM_001134407.3(GRIN2A):c.3936C>A (p.Ser1312Arg)

Gene: GRIN2A (glutamate ionotropic receptor NMDA type subunit 2A; minus strand). Cytogenetic location: 16p13.2.
Variant type: single nucleotide variant.
Coding change: c.3936C>A on transcript NM_001134407.3 (MANE Select); coding-DNA position 3936, C replaced by A.
Protein change: p.Ser1312Arg; replaces serine 1312 with arginine.
Molecular consequence: missense variant. On other transcripts: intron variant (1).
Genome position (GRCh38, 1-based): chr16:9,763,608, G>T on the plus strand (C>A on the coding strand, the complement: GRIN2A is on the minus strand). VCF-style: chr16-9763608-G-T. GRCh37 (hg19) VCF-style: chr16-9857465-G-T.
Other names: c.3936C>A, p.Ser1312Arg (NM_000833.5); c.3772+164C>A (NM_001134408.2); short protein forms S1312R.
Identifiers: ClinVar variation 1334737 (VCV001334737.9), dbSNP rs267604685, ClinGen allele CA394706526.

ClinVar aggregate classification (germline): Uncertain significance. Review status: criteria provided, multiple submitters, no conflicts (2 of 4 stars). 2 submissions from 2 submitters: Uncertain significance (2). Last evaluated 2023-01-05.

Conditions:
Landau-Kleffner syndrome (FESD). Also called: APHASIA, ACQUIRED, WITH EPILEPSY; EPILEPSY, FOCAL, WITH SPEECH DISORDER AND WITH OR WITHOUT MENTAL RETARDATION. Identifiers: Orphanet 1945, Orphanet 725, Orphanet 98818, MedGen C0282512, MONDO:0009509, OMIM 245570.

Allele frequency attached by ClinVar (database versions not stated): TOPMed below 0.00001; gnomAD exomes below 0.00001.
gnomAD v4.1: 2 of 1,613,432 alleles (0.00012%); highest among the groups gnomAD compares: Non-Finnish European, 0.00017%; no homozygotes.

Submissions (2):

Labcorp Genetics (formerly Invitae), Labcorp
Classification: Uncertain significance for Landau-Kleffner syndrome. Last evaluated: 2023-01-05. Review status: criteria provided, single submitter. Criteria: Invitae Variant Classification Sherloc (09022015). Collection method: clinical testing. Allele origin: germline.
Comment: In summary, the available evidence is currently insufficient to determine the role of this variant in disease. Therefore, it has been classified as a Variant of Uncertain Significance. Advanced modeling of protein sequence and biophysical properties (such as structural, functional, and spatial information, amino acid conservation, physicochemical variation, residue mobility, and thermodynamic stability) performed at Invitae indicates that this missense variant is not expected to disrupt GRIN2A protein function. ClinVar contains an entry for this variant (Variation ID: 1334737). This variant has not been reported in the literature in individuals affected with GRIN2A-related conditions. This variant is not present in population databases (gnomAD no frequency). This sequence change replaces serine, which is neutral and polar, with arginine, which is basic and polar, at codon 1312 of the GRIN2A protein (p.Ser1312Arg).

Greenwood Genetic Center Diagnostic Laboratories, Greenwood Genetic Center
Classification: Uncertain significance. Last evaluated: 2021-04-26. Review status: criteria provided, single submitter. Criteria: ACMG Guidelines, 2015. Collection method: clinical testing. Allele origin: germline. Affected: yes.
Comment: PP3, PM2